The following is an entry in ClinVar:

NM_001297563.2(TCEANC):c.842A>G (p.His281Arg)

Gene: TCEANC (transcription elongation factor A N-terminal and central domain containing; plus strand). Cytogenetic location: Xp22.2.
Variant type: single nucleotide variant.
Coding change: c.842A>G on transcript NM_001297563.2 (MANE Select); coding-DNA position 842, A replaced by G.
Protein change: p.His281Arg; replaces histidine 281 with arginine.
Molecular consequence: missense variant.
Genome position (GRCh38, 1-based): chrX:13,663,350, A>G. VCF-style: chrX-13663350-A-G. GRCh37 (hg19) VCF-style: chrX-13681469-A-G.
Other names: c.842A>G, p.His281Arg (NM_001297564.2); c.932A>G, p.His311Arg (NM_152634.4); short protein forms H281R, H311R.
Identifiers: ClinVar variation 4840430 (VCV004840430.1).

ClinVar aggregate classification (germline): Uncertain significance (1 of 4 stars; one submission).

gnomAD v4.1: 2 of 1,196,119 alleles (0.00017%); highest among the groups gnomAD compares: East Asian, 0.003%; no homozygotes.

Submission:

Ambry Genetics
Classification: Uncertain significance. Last evaluated: 2026-02-24. Review status: criteria provided, single submitter. Criteria: Ambry Variant Classification Scheme 2023. Collection method: clinical testing. Allele origin: germline.
Comment: The c.932A>G (p.H311R) alteration is located in exon 4 (coding exon 2) of the TCEANC gene. This alteration results from a A to G substitution at nucleotide position 932, causing the histidine (H) at amino acid position 311 to be replaced by an arginine (R). Based on data from gnomAD, the G allele has an overall frequency of 0.001% (1/151360) total alleles studied. The highest observed frequency was 0.009% (1/11518) of East Asian alleles. Based on insufficient or conflicting evidence, the clinical significance of this alteration remains unclear.